The following is an entry in ClinVar:

ClinVar aggregate classification (germline): Uncertain significance (1 of 4 stars; one submission).

Conditions:
Cardiovascular phenotype. Identifiers: MedGen CN230736.

Allele frequency attached by ClinVar (database versions not stated): gnomAD exomes below 0.00001; gnomAD 0.00001; TOPMed 0.00001.
gnomAD v4.1: 3 of 1,613,784 alleles (0.00019%); highest among the groups gnomAD compares: African/African-American, 0.0013%; no homozygotes.

Submission:

Ambry Genetics
Classification: Uncertain significance for Cardiovascular phenotype. Last evaluated: 2022-01-12. Review status: criteria provided, single submitter. Criteria: Ambry Variant Classification Scheme 2023. Collection method: clinical testing. Allele origin: germline.
Comment: The p.G2039A variant (also known as c.6116G>C), located in coding exon 16 of the TNXB gene, results from a G to C substitution at nucleotide position 6116. The glycine at codon 2039 is replaced by alanine, an amino acid with similar properties. This amino acid position is conserved. In addition, this alteration is predicted to be tolerated by in silico analysis. Since supporting evidence is limited at this time, the clinical significance of this alteration remains unclear.

NM_001365276.2(TNXB):c.6116G>C (p.Gly2039Ala)

Gene: TNXB (tenascin XB; minus strand). Cytogenetic location: 6p21.33.
Variant type: single nucleotide variant.
Coding change: c.6116G>C on transcript NM_001365276.2 (MANE Select); coding-DNA position 6116, G replaced by C.
Protein change: p.Gly2039Ala; replaces glycine 2039 with alanine.
Molecular consequence: missense variant.
Genome position (GRCh38, 1-based): chr6:32,068,494, C>G on the plus strand (G>C on the coding strand, the complement: TNXB is on the minus strand). VCF-style: chr6-32068494-C-G. GRCh37 (hg19) VCF-style: chr6-32036271-C-G.
Other names: c.6116G>C, p.Gly2039Ala (NM_019105.8); short protein forms G2039A.
Identifiers: ClinVar variation 1751700 (VCV001751700.2), dbSNP rs1413458301, ClinGen allele CA363403071.